The following is an entry in ClinVar:

NM_001122764.3(PPOX):c.454C>T (p.Arg152Cys)

Gene: PPOX (protoporphyrinogen oxidase; plus strand). Cytogenetic location: 1q23.3.
Variant type: single nucleotide variant.
Coding change: c.454C>T on transcript NM_001122764.3 (MANE Select); coding-DNA position 454, C replaced by T.
Protein change: p.Arg152Cys; replaces arginine 152 with cysteine.
Molecular consequence: missense variant. On other transcripts: synonymous variant (2), 5 prime UTR variant (2), intron variant (2).
Genome position (GRCh38, 1-based): chr1:161,168,110, C>T. VCF-style: chr1-161168110-C-T. GRCh37 (hg19) VCF-style: chr1-161137900-C-T.
Other names: c.454C>T, p.Arg152Cys (NM_000309.5, NM_001365398.1, NM_001365399.1); c.27C>T, p.Ser9= (NM_001350129.2, NM_001365400.1); c.-33C>T (NM_001350130.2, NM_001365401.1); c.354-303C>T (NM_001350128.2); c.-34-303C>T (NM_001350131.2); short protein forms R152C.
Identifiers: ClinVar variation 664272 (VCV000664272.10), dbSNP rs1571352321, ClinGen allele CA343353639.

ClinVar aggregate classification (germline): Pathogenic. Review status: criteria provided, multiple submitters, no conflicts (2 of 4 stars). 2 submissions from 2 submitters: Pathogenic (2). Last evaluated 2024-10-21.

Conditions:
Variegate porphyria, childhood-onset (VPCO). Also called: VARIEGATE PORPHYRIA, HOMOZYGOUS VARIANT. Identifiers: MedGen C5882681, MONDO:0957577, OMIM 620483.
Variegate porphyria (VP). Also called: PORPHYRIA, SOUTH AFRICAN TYPE; PROTOPORPHYRINOGEN OXIDASE DEFICIENCY; PPOX DEFICIENCY. Identifiers: Orphanet 79473, MedGen C0162532, MONDO:0008297, OMIM 176200.

Submissions (2):

Labcorp Genetics (formerly Invitae), Labcorp
Classification: Pathogenic. Last evaluated: 2024-10-21. Review status: criteria provided, single submitter. Criteria: Invitae Variant Classification Sherloc (09022015). Collection method: clinical testing. Allele origin: germline.
Comment: This sequence change replaces arginine, which is basic and polar, with cysteine, which is neutral and slightly polar, at codon 152 of the PPOX protein (p.Arg152Cys). This variant is not present in population databases (gnomAD no frequency). This missense change has been observed in individuals with variegate porphyria (PMID: 9763307, 10486317, 11474578, 12859407). ClinVar contains an entry for this variant (Variation ID: 664272). Invitae Evidence Modeling of protein sequence and biophysical properties (such as structural, functional, and spatial information, amino acid conservation, physicochemical variation, residue mobility, and thermodynamic stability) indicates that this missense variant is expected to disrupt PPOX protein function with a positive predictive value of 95%. Experimental studies have shown that this missense change affects PPOX function (PMID: 11474578, 11929051, 21048046). For these reasons, this variant has been classified as Pathogenic.

Juno Genomics, Hangzhou Juno Genomics, Inc
Classification: Pathogenic for Variegate porphyria; Variegate porphyria, childhood-onset. Review status: criteria provided, single submitter. Criteria: ACMG Guidelines, 2015. Collection method: clinical testing. Allele origin: germline.
Comment: Absent from controls (or at extremely low frequency if recessive) in Genome Aggregation Database.;The prevalence of the variant in affected individuals is significantly increased compared to the prevalence in controls.;Co-segregation with disease in multiple affected family members.;Well-established in vitro or in vivo functional studies supportive of a damaging effect on the gene or gene product.

Literature cited by the submitters: PubMed 9763307 (cited by Labcorp Genetics (formerly Invitae), Labcorp); PubMed 10486317 (cited by Labcorp Genetics (formerly Invitae), Labcorp); PubMed 11474578 (cited by Labcorp Genetics (formerly Invitae), Labcorp); PubMed 12859407 (cited by Labcorp Genetics (formerly Invitae), Labcorp); PubMed 11929051 (cited by Labcorp Genetics (formerly Invitae), Labcorp); PubMed 21048046 (cited by Labcorp Genetics (formerly Invitae), Labcorp).